The following is an entry in ClinVar:

NM_017433.5(MYO3A):c.3530A>G (p.Asn1177Ser)

Gene: MYO3A (myosin IIIA; plus strand). Cytogenetic location: 10p12.1.
Variant type: single nucleotide variant.
Coding change: c.3530A>G on transcript NM_017433.5 (MANE Select); coding-DNA position 3530, A replaced by G.
Protein change: p.Asn1177Ser; replaces asparagine 1177 with serine.
Molecular consequence: missense variant.
Genome position (GRCh38, 1-based): chr10:26,173,794, A>G. VCF-style: chr10-26173794-A-G. GRCh37 (hg19) VCF-style: chr10-26462723-A-G.
Other names: short protein forms N1177S.
Identifiers: ClinVar variation 3876883 (VCV003876883.2).
Genomic context (GRCh38, chr10:26,173,794, plus strand): 5'-ATAAAGGAAGTGTATCTGTAGTGAAGACTTCCACTTTCAAACCTGAAGAGGAAACCACCA[A>G]TGCTGTGGAGAGTAACAACAGAGTGTATCAGACTCCAAAAAAAATGAATAATGTGTATGA-3'
Protein context (NP_059129.3, residues 1167-1187): STFKPEEETT[Asn1177Ser]AVESNNRVYQ

ClinVar aggregate classification (germline): Uncertain significance. Review status: criteria provided, multiple submitters, no conflicts (2 of 4 stars). 2 submissions from 2 submitters: Uncertain significance (2). Last evaluated 2025-07-08.

Conditions:
MYO3A-related disorder. Also called: MYO3A-related condition.
Inborn genetic diseases. Identifiers: MedGen C0950123, MeSH D030342.

gnomAD v4.1: 15 of 1,614,030 alleles (0.00093%); highest among the groups gnomAD compares: Middle Eastern, 0.016%; no homozygotes.

Submissions (2):

PreventionGenetics, part of Exact Sciences
Classification: Uncertain significance for MYO3A-related condition. Last evaluated: 2025-07-08. Review status: criteria provided, single submitter. Criteria: ACMG Guidelines, 2015. Collection method: clinical testing. Allele origin: germline.
Comment: The MYO3A c.3530A>G variant is predicted to result in the amino acid substitution p.Asn1177Ser. To our knowledge, this variant has not been reported in the literature. This variant is reported in 0.012% of alleles in individuals of African descent in gnomAD. At this time, the clinical significance of this variant is uncertain due to the absence of conclusive functional and genetic evidence.

Ambry Genetics
Classification: Uncertain significance for Inborn genetic diseases. Last evaluated: 2025-02-13. Review status: criteria provided, single submitter. Criteria: Ambry Variant Classification Scheme 2023. Collection method: clinical testing. Allele origin: germline.